The following is an entry in ClinVar:

ClinVar aggregate classification (germline): Conflicting classifications of pathogenicity. Review status: criteria provided, conflicting classifications (1 of 4 stars). 2 submissions from 2 submitters: Uncertain significance (1); Likely benign (1). Last evaluated 2025-01-19.

Conditions:
Inborn genetic diseases. Identifiers: MedGen C0950123, MeSH D030342.

Allele frequency attached by ClinVar (database versions not stated): ExAC 0.00002; gnomAD 0.00002; TOPMed 0.00003; ESP Exome Variant Server 0.00008; 1000 Genomes Project 0.00020; 1000 Genomes Project 30x 0.00031.
gnomAD v4.1: 16 of 1,613,956 alleles (0.00099%); highest among the groups gnomAD compares: Admixed American, 0.005%; no homozygotes.

Submissions (2):

Ambry Genetics
Classification: Likely benign for Inborn genetic diseases. Last evaluated: 2025-01-19. Review status: criteria provided, single submitter. Criteria: Ambry Variant Classification Scheme 2023. Collection method: clinical testing. Allele origin: germline.

Labcorp Genetics (formerly Invitae), Labcorp
Classification: Uncertain significance. Last evaluated: 2024-12-04. Review status: criteria provided, single submitter. Criteria: Invitae Variant Classification Sherloc (09022015). Collection method: clinical testing. Allele origin: germline.
Comment: This sequence change replaces valine, which is neutral and non-polar, with leucine, which is neutral and non-polar, at codon 520 of the DNA2 protein (p.Val520Leu). This variant is present in population databases (rs376453519, gnomAD 0.006%). This variant has not been reported in the literature in individuals affected with DNA2-related conditions. ClinVar contains an entry for this variant (Variation ID: 2170891). Invitae Evidence Modeling of protein sequence and biophysical properties (such as structural, functional, and spatial information, amino acid conservation, physicochemical variation, residue mobility, and thermodynamic stability) indicates that this missense variant is not expected to disrupt DNA2 protein function with a negative predictive value of 80%. In summary, the available evidence is currently insufficient to determine the role of this variant in disease. Therefore, it has been classified as a Variant of Uncertain Significance.

NM_001080449.3(DNA2):c.1558G>C (p.Val520Leu)

Gene: DNA2 (DNA replication helicase/nuclease 2; minus strand). Cytogenetic location: 10q21.3.
Variant type: single nucleotide variant.
Coding change: c.1558G>C on transcript NM_001080449.3 (MANE Select); coding-DNA position 1558, G replaced by C.
Protein change: p.Val520Leu; replaces valine 520 with leucine.
Molecular consequence: missense variant. On other transcripts: non-coding transcript variant (1).
Genome position (GRCh38, 1-based): chr10:68,437,099, C>G on the plus strand (G>C on the coding strand, the complement: DNA2 is on the minus strand). VCF-style: chr10-68437099-C-G. GRCh37 (hg19) VCF-style: chr10-70196856-C-G.
Other names: c.1558G>C (NM_001080449.2); short protein forms V520L.
Identifiers: ClinVar variation 2170891 (VCV002170891.5), dbSNP rs376453519, ClinGen allele CA5525040.